The following is an entry in ClinVar:

NM_001845.6(COL4A1):c.2862A>G (p.Gly954=)

Gene: COL4A1 (collagen type IV alpha 1 chain; minus strand). Cytogenetic location: 13q34.
Variant type: single nucleotide variant.
Coding change: c.2862A>G on transcript NM_001845.6 (MANE Select); coding-DNA position 2862, A replaced by G.
Protein change: p.Gly954=; no amino-acid change (glycine 954 retained).
Molecular consequence: synonymous variant.
Genome position (GRCh38, 1-based): chr13:110,176,892, T>C on the plus strand (A>G on the coding strand, the complement: COL4A1 is on the minus strand). VCF-style: chr13-110176892-T-C. GRCh37 (hg19) VCF-style: chr13-110829239-T-C.
Identifiers: ClinVar variation 1548409 (VCV001548409.26), dbSNP rs373590636, ClinGen allele CA7047477.

ClinVar aggregate classification (germline): Likely benign. Review status: criteria provided, multiple submitters, no conflicts (2 of 4 stars). 2 submissions from 2 submitters: Likely benign (2). Last evaluated 2025-05-03.

Allele frequency attached by ClinVar (database versions not stated): gnomAD exomes 0.00002; ExAC 0.00003; gnomAD 0.00003; TOPMed 0.00003; ESP Exome Variant Server 0.00008; 1000 Genomes Project 30x 0.00016; 1000 Genomes Project 0.00020.
gnomAD v4.1: 33 of 1,614,210 alleles (0.002%); highest among the groups gnomAD compares: African/African-American, 0.0053%; 1 homozygote.

Submissions (2):

Labcorp Genetics (formerly Invitae), Labcorp
Classification: Likely benign. Last evaluated: 2025-05-03. Review status: criteria provided, single submitter. Criteria: Invitae Variant Classification Sherloc (09022015). Collection method: clinical testing. Allele origin: germline.

CeGaT Center for Human Genetics Tuebingen
Classification: Likely benign. Last evaluated: 2024-06-01. Review status: criteria provided, single submitter. Criteria: CeGaT Center For Human Genetics Tuebingen Variant Classification Criteria Version 2. Collection method: clinical testing. Allele origin: germline. Affected: yes. Observed: 1 variant allele.
Comment: COL4A1: BP4, BP7